The following is an entry in ClinVar:

ClinVar aggregate classification (germline): Benign (1 of 4 stars; one submission).

Submission:

Laboratory for Molecular Medicine, Mass General Brigham Personalized Medicine
Classification: Benign. Last evaluated: 2016-03-29. Review status: criteria provided, single submitter. Criteria: LMM Criteria. Collection method: clinical testing. Allele origin: germline.
Comment: Variant identified in a genome or exome case(s) and assessed due to predicted null impact of the variant or pathogenic assertions in the literature or databases. Disclaimer: This variant has not undergone full assessment. The following are preliminary notes: Frequency

NM_022034.6(CUZD1):c.818-9del

Genes: CUZD1 (CUB and zona pellucida like domains 1; minus strand), FAM24B-CUZD1 (FAM24B-CUZD1 readthrough; minus strand). Cytogenetic location: 10q26.13.
Variant type: Deletion.
Coding change: c.818-9del on transcript NM_022034.6 (MANE Select); 9 bases into the intron before coding-DNA position 818, one base deleted (T; older notation c.818-9delT).
Molecular consequence: intron variant.
Genome position (GRCh38, 1-based): chr10:122,836,359, A deleted on the plus strand (T on the coding strand, the reverse complement: CUZD1 is on the minus strand); the first of 16 consecutive A bases (chr10:122,836,359-122,836,374); deleting any one gives the same sequence. VCF-style (leftmost placement, unchanged base first): chr10-122836358-GA-G. GRCh37 (hg19) VCF-style: chr10-124595874-GA-G.
Identifiers: ClinVar variation 402577 (VCV000402577.4), dbSNP rs11365591, ClinGen allele CA5729089.